The following is an entry in ClinVar:

NM_206933.4(USH2A):c.4125del (p.Tyr1376fs)

Genes: USH2A (usherin; minus strand), USH2A-AS1 (USH2A antisense RNA 1; plus strand). Cytogenetic location: 1q41.
Variant type: Deletion.
Coding change: c.4125del on transcript NM_206933.4 (MANE Select); coding-DNA position 4125, one base deleted (G; older notation c.4125delG).
Protein change: p.Tyr1376fs; shifts the reading frame from tyrosine 1376.
Molecular consequence: frameshift variant.
Genome position (GRCh38, 1-based): chr1:216,196,679, C deleted on the plus strand (G on the coding strand, the reverse complement: USH2A is on the minus strand). VCF-style (leftmost placement, unchanged base first): chr1-216196678-AC-A. GRCh37 (hg19) VCF-style: chr1-216370020-AC-A.
Other names: c.4125del, p.Tyr1376fs (NM_007123.6); short protein forms Y1376fs.
Identifiers: ClinVar variation 418896 (VCV000418896.3), dbSNP rs1064793506, ClinGen allele CA16617059.

ClinVar aggregate classification (germline): Pathogenic. Review status: criteria provided, multiple submitters, no conflicts (2 of 4 stars). 2 submissions from 2 submitters: Pathogenic (2). Last evaluated 2023-09-27.

Conditions:
Retinitis pigmentosa 39 (RP39). Identifiers: Orphanet 791, MedGen C3151138, MONDO:0013436, OMIM 613809.

Submissions (2):

Baylor Genetics
Classification: Pathogenic for Retinitis pigmentosa 39. Last evaluated: 2023-09-27. Review status: criteria provided, single submitter. Criteria: ACMG Guidelines, 2015. Collection method: clinical testing. Allele origin: unknown.

GeneDx
Classification: Pathogenic. Last evaluated: 2015-04-13. Review status: criteria provided, single submitter. Criteria: GeneDx Variant Classification (06012015). Collection method: clinical testing. Allele origin: germline. Affected: yes.
Comment: The c.4125delG deletion in the USH2A gene causes a frameshift starting withcodon Tyrosine 1376, changes this amino acid to a Threonine residue and creates a premature Stop codonat position 56 of the new reading frame, denoted p.Tyr4125ThrfsX56. This variant is predicted to causeloss of normal protein function either through protein truncation or nonsense-mediated mRNA decay. Thec.4125delG deletion was not observed in approximately 6,500 individuals of European and AfricanAmerican ancestry in the NHLBI Exome Sequencing Project, indicating it is not a common benign variantin these populations. Therefore, we interpret c.4125delG as a pathogenic variant.